The following is an entry in ClinVar:

NM_002109.6(HARS1):c.829G>A (p.Val277Ile)

Gene: HARS1 (histidyl-tRNA synthetase 1; minus strand). Cytogenetic location: 5q31.3.
Variant type: single nucleotide variant.
Coding change: c.829G>A on transcript NM_002109.6 (MANE Select); coding-DNA position 829, G replaced by A.
Protein change: p.Val277Ile; replaces valine 277 with isoleucine.
Molecular consequence: missense variant.
Genome position (GRCh38, 1-based): chr5:140,677,111, C>T on the plus strand (G>A on the coding strand, the complement: HARS1 is on the minus strand). VCF-style: chr5-140677111-C-T. GRCh37 (hg19) VCF-style: chr5-140056696-C-T.
Other names: c.709G>A, p.Val237Ile (NM_001258040.3); c.769G>A, p.Val257Ile (NM_001258041.3); c.649G>A, p.Val217Ile (NM_001258042.3); c.607G>A, p.Val203Ile (NM_001289092.2); c.487G>A, p.Val163Ile (NM_001289093.2); c.742G>A, p.Val248Ile (NM_001289094.2); short protein forms V163I, V203I, V217I, V237I, V248I, V257I, V277I.
Identifiers: ClinVar variation 1017063 (VCV001017063.8), dbSNP rs763899763, ClinGen allele CA3443969.

ClinVar aggregate classification (germline): Uncertain significance (1 of 4 stars; one submission).

Conditions:
Usher syndrome type 3B. Also called: USHER SYNDROME, TYPE IIIB. Identifiers: MedGen C3281066, MONDO:0013788, OMIM 614504.

Allele frequency attached by ClinVar (database versions not stated): gnomAD 0.00001; gnomAD exomes 0.00001; TOPMed 0.00001; ExAC 0.00002.
gnomAD v4.1: 9 of 1,613,868 alleles (0.00056%); highest among the groups gnomAD compares: Non-Finnish European, 0.00059%; no homozygotes.

Submission:

Labcorp Genetics (formerly Invitae), Labcorp
Classification: Uncertain significance for Usher syndrome type 3B. Last evaluated: 2024-02-23. Review status: criteria provided, single submitter. Criteria: Invitae Variant Classification Sherloc (09022015). Collection method: clinical testing. Allele origin: germline.
Comment: This sequence change replaces valine, which is neutral and non-polar, with isoleucine, which is neutral and non-polar, at codon 277 of the HARS protein (p.Val277Ile). This variant is present in population databases (rs763899763, gnomAD 0.002%). This variant has not been reported in the literature in individuals affected with HARS-related conditions. ClinVar contains an entry for this variant (Variation ID: 1017063). An algorithm developed to predict the effect of missense changes on protein structure and function (PolyPhen-2) suggests that this variant is likely to be tolerated. In summary, the available evidence is currently insufficient to determine the role of this variant in disease. Therefore, it has been classified as a Variant of Uncertain Significance.